The following is an entry in ClinVar:

ClinVar aggregate classification (germline): Uncertain significance (1 of 4 stars; one submission).

Conditions:
Left ventricular noncompaction 1 (LVNC1). Also called: LEFT VENTRICULAR NONCOMPACTION 1 WITH OR WITHOUT CONGENITAL HEART DEFECTS. Identifiers: Orphanet 54260, MedGen C1858725, MONDO:0011403, OMIM 604169.

Allele frequency attached by ClinVar (database versions not stated): TOPMed below 0.00001; gnomAD exomes 0.00001; ExAC 0.00002.
gnomAD v4.1: 8 of 1,613,980 alleles (0.0005%); highest among the groups gnomAD compares: South Asian, 0.0022%; no homozygotes.

Submission:

Labcorp Genetics (formerly Invitae), Labcorp
Classification: Uncertain significance for Left ventricular noncompaction 1. Last evaluated: 2025-02-19. Review status: criteria provided, single submitter. Criteria: Invitae Variant Classification Sherloc (09022015). Collection method: clinical testing. Allele origin: germline.
Comment: This sequence change replaces arginine, which is basic and polar, with glutamine, which is neutral and polar, at codon 257 of the DTNA protein (p.Arg257Gln). This variant is present in population databases (rs772676722, gnomAD 0.003%). This variant has not been reported in the literature in individuals affected with DTNA-related conditions. ClinVar contains an entry for this variant (Variation ID: 2052006). Invitae Evidence Modeling of protein sequence and biophysical properties (such as structural, functional, and spatial information, amino acid conservation, physicochemical variation, residue mobility, and thermodynamic stability) indicates that this missense variant is expected to disrupt DTNA protein function with a positive predictive value of 80%. In summary, the available evidence is currently insufficient to determine the role of this variant in disease. Therefore, it has been classified as a Variant of Uncertain Significance.

NM_001386795.1(DTNA):c.770G>A (p.Arg257Gln)

Gene: DTNA (dystrobrevin alpha; plus strand). Cytogenetic location: 18q12.1.
Variant type: single nucleotide variant.
Coding change: c.770G>A on transcript NM_001386795.1 (MANE Select); coding-DNA position 770, G replaced by A.
Protein change: p.Arg257Gln; replaces arginine 257 with glutamine.
Molecular consequence: missense variant. On other transcripts: intron variant (1).
Genome position (GRCh38, 1-based): chr18:34,818,224, G>A. VCF-style: chr18-34818224-G-A. GRCh37 (hg19) VCF-style: chr18-32398188-G-A.
Other names: c.770G>A, p.Arg257Gln (NM_001128175.2, NM_001198938.2, NM_001198939.2 and 34 more transcripts); c.20G>A, p.Arg7Gln (NM_001198943.1); c.603+6111G>A (NM_001198945.2); short protein forms R7Q, R257Q.
Identifiers: ClinVar variation 2052006 (VCV002052006.4), dbSNP rs772676722, ClinGen allele CA8935458.